The following is an entry in ClinVar:

ClinVar aggregate classification (germline): Uncertain significance (1 of 4 stars; one submission).

Conditions:
Ehlers-Danlos syndrome, type 4 (EDSVASC). Also called: Ehlers-Danlos syndrome vascular type; Ehlers Danlos syndrome, ecchymotic type; Ehlers Danlos syndrome, arterial type; Ehlers Danlos syndrome, Sack-Barabas type; Ehlers-Danlos Syndrome Type IV. Identifiers: Orphanet 286, MedGen C0268338, MONDO:0017314, OMIM 130050.

gnomAD v4.1: 1 of 1,604,706 alleles (0.000062%); highest among the groups gnomAD compares: Non-Finnish European, 0.000085%; no homozygotes.

Submission:

All of Us Research Program, National Institutes of Health
Classification: Uncertain significance for Ehlers-Danlos syndrome, type 4. Last evaluated: 2024-07-20. Review status: criteria provided, single submitter. Criteria: ACMG Guidelines, 2015. Collection method: clinical testing. Allele origin: germline. Inheritance: Autosomal dominant inheritance. Observed: 1 variant allele, 1 heterozygote.
Comment: This missense variant replaces proline with serine at codon 946 of the COL3A1 protein. Computational prediction suggests that this variant may not impact protein structure and function (internally defined REVEL score threshold <= 0.5, PMID: 27666373). To our knowledge, functional studies have not been reported for this variant. This variant has not been reported in individuals affected with COL3A1-related disorders in the literature. This variant has not been identified in the general population by the Genome Aggregation Database (gnomAD). The available evidence is insufficient to determine the role of this variant in disease conclusively. Therefore, this variant is classified as a Variant of Uncertain Significance.

This study involves interpretation of variants in research participants for the purpose of population health screening. Participant phenotype was not available at the time of variant classification. Additional details can be found in publication PMID: 35346344, PMCID: PMC8962531

NM_000090.4(COL3A1):c.2836C>T (p.Pro946Ser)

Gene: COL3A1 (collagen type III alpha 1 chain; plus strand). Cytogenetic location: 2q32.2.
Variant type: single nucleotide variant.
Coding change: c.2836C>T on transcript NM_000090.4 (MANE Select); coding-DNA position 2836, C replaced by T.
Protein change: p.Pro946Ser; replaces proline 946 with serine.
Molecular consequence: missense variant.
Genome position (GRCh38, 1-based): chr2:189,004,269, C>T. VCF-style: chr2-189004269-C-T. GRCh37 (hg19) VCF-style: chr2-189868995-C-T.
Other names: short protein forms P946S.
Identifiers: ClinVar variation 3386475 (VCV003386475.1).